The following is an entry in ClinVar:

ClinVar aggregate classification (germline): Uncertain significance (1 of 4 stars; one submission).

Allele frequency attached by ClinVar (database versions not stated): ExAC 0.00001; gnomAD exomes 0.00001.
gnomAD v4.1: 7 of 1,613,600 alleles (0.00043%); highest among the groups gnomAD compares: Non-Finnish European, 0.00059%; no homozygotes.

Submission:

Ambry Genetics
Classification: Uncertain significance. Last evaluated: 2022-12-08. Review status: criteria provided, single submitter. Criteria: Ambry Variant Classification Scheme 2023. Collection method: clinical testing. Allele origin: germline.
Comment: The p.I356V variant (also known as c.1066A>G), located in coding exon 7 of the POLQ gene, results from an A to G substitution at nucleotide position 1066. The isoleucine at codon 356 is replaced by valine, an amino acid with highly similar properties. This amino acid position is conserved. In addition, this alteration is predicted to be tolerated by in silico analysis. Since supporting evidence is limited at this time, the clinical significance of this alteration remains unclear.

NM_199420.4(POLQ):c.1066A>G (p.Ile356Val)

Gene: POLQ (DNA polymerase theta; minus strand). Cytogenetic location: 3q13.33.
Variant type: single nucleotide variant.
Coding change: c.1066A>G on transcript NM_199420.4 (MANE Select); coding-DNA position 1066, A replaced by G.
Protein change: p.Ile356Val; replaces isoleucine 356 with valine.
Molecular consequence: missense variant.
Genome position (GRCh38, 1-based): chr3:121,529,687, T>C on the plus strand (A>G on the coding strand, the complement: POLQ is on the minus strand). VCF-style: chr3-121529687-T-C. GRCh37 (hg19) VCF-style: chr3-121248534-T-C.
Other names: short protein forms I356V.
Identifiers: ClinVar variation 2449446 (VCV002449446.2), dbSNP rs758595375, ClinGen allele CA2563658.